The following is an entry in ClinVar:

NM_145309.6(LRRC51):c.255C>T (p.Asp85=)

Genes: LRRC51 (leucine rich repeat containing 51; plus strand), LRTOMT (leucine rich transmembrane and O-methyltransferase domain containing; plus strand). Cytogenetic location: 11q13.4.
Variant type: single nucleotide variant.
Coding change: c.255C>T on transcript NM_145309.6 (MANE Select); coding-DNA position 255, C replaced by T.
Protein change: p.Asp85=; no amino-acid change (aspartic acid 85 retained).
Molecular consequence: synonymous variant. On other transcripts: non-coding transcript variant (2), 5 prime UTR variant (3).
Genome position (GRCh38, 1-based): chr11:72,093,668, C>T. VCF-style: chr11-72093668-C-T. GRCh37 (hg19) VCF-style: chr11-71804714-C-T.
Other names: c.255C>T, p.Asp85= (NM_001145307.5, NM_001271471.3, NM_001318803.2); c.201C>T, p.Asp67= (NM_001205138.4); c.-149C>T (NM_001145308.5, NM_001145309.4, NM_001145310.4).
Identifiers: ClinVar variation 305986 (VCV000305986.52), dbSNP rs145851613, ClinGen allele CA6168178.
Genomic context (GRCh38, chr11:72,093,668, plus strand): 5'-AGACTTCAACCAGGTGGCTTCACAGCTGTTGGAGCACCCAGAGAACCTGGCCTGGATCGA[C>T]CTGTCCTTTAATGACCTGACTTCCATTGACCCTGTGAGTTCCTAACAGTAGGAATCCAGT-3'
Protein context (NP_660352.1, residues 75-95): LEHPENLAWI[Asp85=]LSFNDLTSID

ClinVar aggregate classification (germline): Conflicting classifications of pathogenicity. Review status: criteria provided, conflicting classifications (1 of 4 stars). 7 submissions from 7 submitters: Uncertain significance (1); Benign (2); Likely benign (3). 1 of the submissions does not count toward it. Last evaluated 2024-11-23.

Conditions:
LRTOMT-related disorder. Also called: LRTOMT-related condition.
Autosomal recessive nonsyndromic hearing loss 63. Identifiers: Orphanet 90636, MedGen C1969621, MONDO:0012670, OMIM 611451.

Allele frequency attached by ClinVar (database versions not stated): gnomAD 0.00232; ESP Exome Variant Server 0.00246; gnomAD exomes 0.00276 and 0.00311; ExAC 0.00326; 1000 Genomes Project 0.00120; 1000 Genomes Project 30x 0.00125; TOPMed 0.00189.
gnomAD v4.1: 4,366 of 1,614,200 alleles (0.27%); highest among the groups gnomAD compares: South Asian, 0.4%; 12 homozygotes.

Submissions (7):

Blueprint Genetics
Classification: Likely benign. Last evaluated: 2024-11-23. Review status: criteria provided, single submitter. Criteria: ACMG Guidelines, 2015. Collection method: clinical testing. Allele origin: germline.

CeGaT Center for Human Genetics Tuebingen
Classification: Likely benign. Last evaluated: 2024-08-01. Review status: criteria provided, single submitter. Criteria: CeGaT Center For Human Genetics Tuebingen Variant Classification Criteria Version 2. Collection method: clinical testing. Allele origin: germline. Affected: yes. Observed: 5 variant alleles.
Comment: LRRC51: BS2; LRTOMT: BP4, BP7

GeneDx
Classification: Likely benign. Last evaluated: 2020-09-01. Review status: criteria provided, single submitter. Criteria: GeneDx Variant Classification Process June 2021. Collection method: clinical testing. Allele origin: germline. Affected: yes.

ARUP Laboratories, Molecular Genetics and Genomics, ARUP Laboratories
Classification: Benign for Autosomal recessive nonsyndromic hearing loss 63. Last evaluated: 2019-03-25. Review status: criteria provided, single submitter. Criteria: ARUP Molecular Germline Variant Investigation Process. Collection method: clinical testing. Allele origin: germline.

Illumina Laboratory Services, Illumina
Classification: Uncertain significance for Autosomal recessive nonsyndromic hearing loss 63. Last evaluated: 2018-01-13. Review status: criteria provided, single submitter. Criteria: ICSL Variant Classification Criteria 13 December 2019. Collection method: clinical testing. Allele origin: germline.

Laboratory for Molecular Medicine, Mass General Brigham Personalized Medicine
Classification: Benign. Last evaluated: 2016-06-02. Review status: criteria provided, single submitter. Criteria: LMM Criteria. Collection method: clinical testing. Allele origin: germline. Observed: 6 variant alleles.
Comment: p.Asp85Asp in exon 4B of LRTOMT: This variant is not expected to have clinical s ignificance because it does not alter an amino acid residue and is not located w ithin the splice consensus sequence. It has been identified in 1% (63/6614) of F innish chromosomes and 0.3% (396/121398) total chromosomes by the Exome Aggregat ion Consortium (ExAC; dbSNP rs145851613).

PreventionGenetics, part of Exact Sciences
Classification: Benign for LRTOMT-related condition. Last evaluated: 2019-09-26. Review status: no assertion criteria provided. Collection method: clinical testing. Allele origin: germline. Not counted in ClinVar's aggregate classification.
Comment: This variant is classified as benign based on ACMG/AMP sequence variant interpretation guidelines (Richards et al. 2015 PMID: 25741868, with internal and published modifications).